The following is an entry in ClinVar:

ClinVar aggregate classification (germline): Uncertain significance (1 of 4 stars; one submission).

Conditions:
Fanconi anemia (FA). Also called: Fanconi's anemia. Identifiers: Orphanet 84, MedGen C0015625, MeSH D005199, MONDO:0019391.

gnomAD v4.1: 4 of 1,613,522 alleles (0.00025%); highest among the groups gnomAD compares: Non-Finnish European, 0.00017%; no homozygotes.

Submission:

Labcorp Genetics (formerly Invitae), Labcorp
Classification: Uncertain significance for Fanconi anemia. Last evaluated: 2024-05-22. Review status: criteria provided, single submitter. Criteria: Invitae Variant Classification Sherloc (09022015). Collection method: clinical testing. Allele origin: germline.
Comment: This sequence change replaces valine, which is neutral and non-polar, with isoleucine, which is neutral and non-polar, at codon 820 of the FANCD2 protein (p.Val820Ile). This variant is not present in population databases (gnomAD no frequency). This variant has not been reported in the literature in individuals affected with FANCD2-related conditions. Advanced modeling of protein sequence and biophysical properties (such as structural, functional, and spatial information, amino acid conservation, physicochemical variation, residue mobility, and thermodynamic stability) performed at Invitae indicates that this missense variant is not expected to disrupt FANCD2 protein function with a negative predictive value of 80%. In summary, the available evidence is currently insufficient to determine the role of this variant in disease. Therefore, it has been classified as a Variant of Uncertain Significance.

NM_001018115.3(FANCD2):c.2458G>A (p.Val820Ile)

Genes: FANCD2 (FA complementation group D2; plus strand), LOC107303338 (3p25 FANCD2 Alu-mediated recombination region; plus strand). Cytogenetic location: 3p25.3.
Variant type: single nucleotide variant.
Coding change: c.2458G>A on transcript NM_001018115.3 (MANE Select); coding-DNA position 2458, G replaced by A.
Protein change: p.Val820Ile; replaces valine 820 with isoleucine.
Molecular consequence: missense variant.
Genome position (GRCh38, 1-based): chr3:10,067,281, G>A. VCF-style: chr3-10067281-G-A. GRCh37 (hg19) VCF-style: chr3-10108965-G-A.
Other names: c.2458G>A, p.Val820Ile (NM_001319984.2, NM_001374254.1, NM_033084.6); c.2347G>A, p.Val783Ile (NM_001374253.1); short protein forms V820I, V783I.
Identifiers: ClinVar variation 3667503 (VCV003667503.2).